The following is an entry in ClinVar:

NM_001267550.2(TTN):c.3759A>G (p.Arg1253=)

Genes: TTN (titin; minus strand), LOC101927055 (uncharacterized LOC101927055; plus strand). Cytogenetic location: 2q31.2.
Variant type: single nucleotide variant.
Coding change: c.3759A>G on transcript NM_001267550.2 (MANE Select); coding-DNA position 3759, A replaced by G.
Protein change: p.Arg1253=; no amino-acid change (arginine 1253 retained).
Molecular consequence: synonymous variant.
Genome position (GRCh38, 1-based): chr2:178,779,433, T>C on the plus strand (A>G on the coding strand, the complement: TTN is on the minus strand). VCF-style: chr2-178779433-T-C. GRCh37 (hg19) VCF-style: chr2-179644160-T-C.
Other names: p.R1253R:AGA>AGG; p.Arg1253=; c.3621A>G, p.Arg1207= (NM_003319.4, NM_133432.3, NM_133437.4); c.3759A>G, p.Arg1253= (NM_133379.5, NM_001256850.1, NM_133378.4).
Identifiers: ClinVar variation 46985 (VCV000046985.35), dbSNP rs2291308, ClinGen allele CA283269.
Genomic context (GRCh38, chr2:178,779,433, plus strand): 5'-TTCTTCAAGAAGTTCTTCTAATGTAGTCTTTATTATTCTATATTCAATTTCTTTAATAAG[T>C]CTCTCTTCAAAGGAAGAAATATGGAATTCCTATGCAAAAAGATTATGGTCTGTTAAAAAT-3'
Protein context (NP_001254479.2, residues 1243-1263): QEFHISSFEE[Arg1253=]LIKEIEYRII

ClinVar aggregate classification (germline): Benign. Review status: criteria provided, multiple submitters, no conflicts (2 of 4 stars). 22 submissions from 15 submitters: Benign (19). 3 of the submissions do not count toward it. Last evaluated 2026-02-04.

Conditions:
Cardiovascular phenotype. Identifiers: MedGen CN230736.
Dilated cardiomyopathy 1G (CMD1G). Identifiers: Orphanet 154, MedGen C1858763, MONDO:0011400, OMIM 604145.
Autosomal recessive limb-girdle muscular dystrophy type 2J (LGMDR10). Also called: Limb-girdle muscular dystrophy, type 2J; MUSCULAR DYSTROPHY, LIMB-GIRDLE, AUTOSOMAL RECESSIVE 10. Identifiers: Orphanet 140922, MedGen C1837342, MONDO:0012127, OMIM 608807.
Early-onset myopathy with fatal cardiomyopathy (CMYO5). Also called: CONGENITAL MYOPATHY 5 WITH CARDIOMYOPATHY; Salih Myopathy. Identifiers: Orphanet 289377, MedGen C2673677, MONDO:0012714, OMIM 611705. Disease mechanism: loss of function.
Myopathy, myofibrillar, 9, with early respiratory failure (MFM9). Also called: MYOPATHY, PROXIMAL, WITH EARLY RESPIRATORY MUSCLE INVOLVEMENT; Myopathy, distal, with early respiratory failure, autosomal dominant; Hereditary myopathy with early respiratory failure; EDSTROM MYOPATHY. Identifiers: Orphanet 178464, Orphanet 34521, MedGen C1863599, MONDO:0011362, OMIM 603689.
Tibial muscular dystrophy (TMD). Also called: Tibial muscular dystrophy, tardive; UDD MYOPATHY; Udd Distal Myopathy – Tibial Muscular Dystrophy. Identifiers: Orphanet 609, MedGen C1838244, MONDO:0010870, OMIM 600334.

Allele frequency attached by ClinVar (database versions not stated): ESP Exome Variant Server 0.03239; gnomAD 0.04799 and 0.04988; gnomAD exomes 0.05184 and 0.07966; TOPMed 0.06079; 1000 Genomes Project 30x 0.07558; 1000 Genomes Project 0.07568; ExAC 0.08582.
gnomAD v4.1: 80,645 of 1,563,290 alleles (5.2%); highest among the groups gnomAD compares: Admixed American, 20%; 3,615 homozygotes.

Submissions (22):

Labcorp Genetics (formerly Invitae), Labcorp
Classification: Benign for Dilated cardiomyopathy 1G; Autosomal recessive limb-girdle muscular dystrophy type 2J. Last evaluated: 2026-02-04. Review status: criteria provided, single submitter. Criteria: Invitae Variant Classification Sherloc (09022015). Collection method: clinical testing. Allele origin: germline.

Molecular Diagnostic Laboratory for Inherited Cardiovascular Disease, Montreal Heart Institute
Classification: Benign. Last evaluated: 2025-04-09. Review status: criteria provided, single submitter. Criteria: ACMG Guidelines, 2015. Collection method: clinical testing. Allele origin: germline. Affected: no.

Genome-Nilou Lab
Classification: Benign for Autosomal recessive limb-girdle muscular dystrophy type 2J. Last evaluated: 2021-09-10. Review status: criteria provided, single submitter. Criteria: ACMG Guidelines, 2015. Collection method: clinical testing. Allele origin: germline. Affected: no.

Genome-Nilou Lab
Classification: Benign for Myopathy, myofibrillar, 9, with early respiratory failure. Last evaluated: 2021-09-10. Review status: criteria provided, single submitter. Criteria: ACMG Guidelines, 2015. Collection method: clinical testing. Allele origin: germline. Affected: no.

Genome-Nilou Lab
Classification: Benign for Early-onset myopathy with fatal cardiomyopathy. Last evaluated: 2021-09-10. Review status: criteria provided, single submitter. Criteria: ACMG Guidelines, 2015. Collection method: clinical testing. Allele origin: germline. Affected: no.

Genome-Nilou Lab
Classification: Benign for Tibial muscular dystrophy. Last evaluated: 2021-09-10. Review status: criteria provided, single submitter. Criteria: ACMG Guidelines, 2015. Collection method: clinical testing. Allele origin: germline. Affected: no.

Women's Health and Genetics/Laboratory Corporation of America, LabCorp
Classification: Benign. Last evaluated: 2019-08-19. Review status: criteria provided, single submitter. Criteria: LabCorp Variant Classification Summary - May 2015. Collection method: clinical testing. Allele origin: germline.

Illumina Laboratory Services, Illumina
Classification: Benign for Early-onset myopathy with fatal cardiomyopathy. Last evaluated: 2018-01-13. Review status: criteria provided, single submitter. Criteria: ICSL Variant Classification Criteria 13 December 2019. Collection method: clinical testing. Allele origin: germline.
Comment: This variant was observed in the ICSL laboratory as part of a predisposition screen in an ostensibly healthy population. It had not been previously curated by ICSL or reported in the Human Gene Mutation Database (HGMD: prior to June 1st, 2018), and was therefore a candidate for classification through an automated scoring system. Utilizing variant allele frequency, disease prevalence and penetrance estimates, and inheritance mode, an automated score was calculated to assess if this variant is too frequent to cause the disease. Based on the score and internal cut-off values, a variant classified as benign is not then subjected to further curation. The score for this variant resulted in a classification of benign for this disease.

Illumina Laboratory Services, Illumina
Classification: Benign for Autosomal recessive limb-girdle muscular dystrophy type 2J. Last evaluated: 2018-01-13. Review status: criteria provided, single submitter. Criteria: ICSL Variant Classification Criteria 13 December 2019. Collection method: clinical testing. Allele origin: germline.
Comment: the same text as in the submission from Illumina Laboratory Services, Illumina above.

Illumina Laboratory Services, Illumina
Classification: Benign for Tibial muscular dystrophy. Last evaluated: 2018-01-13. Review status: criteria provided, single submitter. Criteria: ICSL Variant Classification Criteria 13 December 2019. Collection method: clinical testing. Allele origin: germline.
Comment: the same text as in the submission from Illumina Laboratory Services, Illumina above.

Illumina Laboratory Services, Illumina
Classification: Benign for Myopathy, myofibrillar, 9, with early respiratory failure. Last evaluated: 2018-01-13. Review status: criteria provided, single submitter. Criteria: ICSL Variant Classification Criteria 13 December 2019. Collection method: clinical testing. Allele origin: germline.
Comment: the same text as in the submission from Illumina Laboratory Services, Illumina above.

Illumina Laboratory Services, Illumina
Classification: Benign for Dilated cardiomyopathy 1G. Last evaluated: 2018-01-13. Review status: criteria provided, single submitter. Criteria: ICSL Variant Classification Criteria 13 December 2019. Collection method: clinical testing. Allele origin: germline.
Comment: the same text as in the submission from Illumina Laboratory Services, Illumina above.

Mayo Clinic Laboratories, Mayo Clinic
Classification: Benign. Last evaluated: 2017-07-25. Review status: criteria provided, single submitter. Criteria: ACMG Guidelines, 2015. Collection method: clinical testing. Allele origin: germline. Observed: 267 variant alleles.

Genetic Services Laboratory, University of Chicago
Classification: Benign for AllHighlyPenetrant. Last evaluated: 2013-08-15. Review status: criteria provided, single submitter. Criteria: ACMG Guidelines, 2007. Collection method: clinical testing. Allele origin: germline.

Ambry Genetics
Classification: Benign for Cardiovascular phenotype. Last evaluated: 2013-01-15. Review status: criteria provided, single submitter. Criteria: Ambry Autosomal Dominant and X-Linked criteria (10/2015). Collection method: clinical testing. Allele origin: germline. Observed: 1 variant allele.

GeneDx
Classification: Benign. Last evaluated: 2012-10-19. Review status: criteria provided, single submitter. Criteria: GeneDx Variant Classification (06012015). Collection method: clinical testing. Allele origin: germline. Affected: yes.
Comment: This variant is considered likely benign or benign based on one or more of the following criteria: it is a conservative change, it occurs at a poorly conserved position in the protein, it is predicted to be benign by multiple in silico algorithms, and/or has population frequency not consistent with disease.

Laboratory for Molecular Medicine, Mass General Brigham Personalized Medicine
Classification: Benign. Last evaluated: 2012-04-24. Review status: criteria provided, single submitter. Criteria: LMM Criteria. Collection method: clinical testing. Allele origin: germline. Observed: 161 variant alleles.

Breakthrough Genomics
Classification: Benign. Review status: criteria provided, single submitter. Criteria: ACMG Guidelines, 2015. Collection method: not provided. Allele origin: germline. Inheritance: Autosomal recessive inheritance. Affected: yes.

PreventionGenetics, part of Exact Sciences
Classification: Benign. Review status: criteria provided, single submitter. Criteria: ACMG Guidelines, 2015. Collection method: clinical testing. Allele origin: germline.

Clinical Genetics DNA and cytogenetics Diagnostics Lab, Erasmus MC, Erasmus Medical Center
Classification: Benign. Review status: no assertion criteria provided. Collection method: clinical testing. Allele origin: germline. Affected: yes. Study: VKGL Data-share Consensus. Not counted in ClinVar's aggregate classification.

Clinical Genetics, Academic Medical Center
Classification: Benign. Review status: no assertion criteria provided. Collection method: clinical testing. Allele origin: germline. Affected: yes. Study: VKGL Data-share Consensus. Not counted in ClinVar's aggregate classification.

Joint Genome Diagnostic Labs from Nijmegen and Maastricht, Radboudumc and MUMC+
Classification: Benign. Review status: no assertion criteria provided. Collection method: clinical testing. Allele origin: germline. Affected: yes. Study: VKGL Data-share Consensus. Not counted in ClinVar's aggregate classification.